The following continues an entry in ClinVar:

NM_000363.5(TNNI3):c.470C>T (p.Ala157Val)

Gene: TNNI3. ClinVar aggregate classification (germline): Pathogenic/Likely pathogenic. Pathogenic (14); Likely pathogenic (2).

Submissions 10 to 19 of 19:

All of Us Research Program, National Institutes of Health
Classification: Pathogenic for Hypertrophic cardiomyopathy. Last evaluated: 2023-08-17. Review status: criteria provided, single submitter. Criteria: ACMG Guidelines, 2015. Collection method: clinical testing. Allele origin: germline. Inheritance: Autosomal dominant inheritance. Observed: 2 variant alleles, 2 heterozygotes.
Comment: This missense variant replaces alanine with valine at codon 157 in the C-terminal mobile domain of the TNNI3 protein. Computational prediction is inconclusive regarding the impact of this variant on protein structure and function (internally defined REVEL score threshold 0.5 < inconclusive < 0.7, PMID: 27666373). To our knowledge, functional studies have not been reported for this variant. This variant has been reported in more than 20 individuals affected with hypertrophic cardiomyopathy (PMID: 12707239, 15607392, 19645627, 21533915, 22386593, 22857948, 25524337, 26506446, 27532257, 15607392, 26506446). It has also been reported in an individual affected with dilated cardiomyopathy (PMID: 27532257). It has been shown that this variant segregates with disease in at least 7 individuals affected with hypertrophic cardiomyopathy across 4 families (PMID: 15607392, 26506446). This variant has not been identified in the general population by the Genome Aggregation Database (gnomAD). Based on the available evidence, this variant is classified as Pathogenic.

This study involves interpretation of variants in research participants for the purpose of population health screening. Participant phenotype was not available at the time of variant classification. Additional details can be found in publication PMID: 35346344, PMCID: PMC8962531

Color Diagnostics, LLC DBA Color Health
Classification: Pathogenic for Cardiomyopathy. Last evaluated: 2022-11-14. Review status: criteria provided, single submitter. Criteria: ACMG Guidelines, 2015. Collection method: clinical testing. Allele origin: germline.
Comment: This missense variant replaces alanine with valine at codon 157 in the C-terminal mobile domain of the TNNI3 protein. Computational prediction is inconclusive regarding the impact of this variant on protein structure and function (internally defined REVEL score threshold 0.5 < inconclusive < 0.7, PMID: 27666373). To our knowledge, functional studies have not been reported for this variant. This variant has been reported in more than 20 individuals affected with hypertrophic cardiomyopathy (PMID: 12707239, 15607392, 19645627, 21533915, 22386593, 22857948, 25524337, 26506446, 27532257, 15607392, 26506446). It has also been reported in an individual affected with dilated cardiomyopathy (PMID: 27532257). It has been shown that this variant segregates with disease in at least 7 individuals affected with hypertrophic cardiomyopathy across 4 families (PMID: 15607392, 26506446). This variant has not been identified in the general population by the Genome Aggregation Database (gnomAD). Based on the available evidence, this variant is classified as Pathogenic.

Clinical Genetics Laboratory, Skane University Hospital Lund
Classification: Pathogenic. Last evaluated: 2022-05-27. Review status: criteria provided, single submitter. Criteria: ACMG Guidelines, 2015. Collection method: clinical testing. Allele origin: germline. Affected: yes.

Laboratory for Molecular Medicine, Mass General Brigham Personalized Medicine
Classification: Pathogenic for Hypertrophic cardiomyopathy. Last evaluated: 2020-10-05. Review status: criteria provided, single submitter. Criteria: LMM Criteria. Collection method: clinical testing. Allele origin: germline. Inheritance: Autosomal dominant inheritance. Observed: 36 variant alleles.
Comment: The p.Ala157Val variant in TNNI3 has been reported in > 20 individuals with hypertrophic cardiomyopathy (HCM) and segregated with disease in at least 7 affected individuals from at least 6 families (Richard 2003 PMID: 12707239; Mogensen 2004 PMID: 15607392; Brito 2005 PMID: 16335287, Curila 2009 PMID: 19645627; van den Wijngaard 2011 PMID: 21533915; Coppini 2014 PMID: 25524337; Walsh 2017 PMID: 27532257; LMM internal data). This variant has also been reported in 2 individuals with sudden death at a young age (van den Wijngaard 2011 PMID: 21533915) and in one individual with DCM (Walsh 2017 PMID: 27532257). Additionally, the p.Ala157Val variant has been reported by other clinical laboratories in ClinVar (Variation ID: 43388) and was absent from large population studies. Computational prediction tools and conservation analyses do not provide strong support for or against an impact to the protein. In summary, this variant meets criteria to be classified as pathogenic for autosomal dominant HCM. ACMG/AMP Criteria applied: PS4, PP1_Strong, PM2_Supporting.

Women's Health and Genetics/Laboratory Corporation of America, LabCorp
Classification: Pathogenic for Primary familial hypertrophic cardiomyopathy. Last evaluated: 2020-04-06. Review status: criteria provided, single submitter. Criteria: LabCorp Variant Classification Summary - May 2015. Collection method: clinical testing. Allele origin: germline.
Comment: Variant summary: TNNI3 c.470C>T (p.Ala157Val) results in a non-conservative amino acid change in the encoded protein sequence. Four of five in-silico tools predict a damaging effect of the variant on protein function. The variant was absent in 249082 control chromosomes (gnomAD). c.470C>T has been reported in the literature in several individuals affected with Hypertrophic Cardiomyopathy (Richard_2003, Brito_2005, Mogensen_2004, Curila_2009, Zheng_2016, Walsh_2017), and in many families the variant was demonstrated to segregate with the disease, (Richard_2003, Mogensen_2004, Curila_2009, Zheng_2016). The phenotypic manifestations ranged from clinically silent to sudden cardiac death, in addition the variant was also reported in an individual with dilated cardiomyopathy (Walsh_2017); these reports might indicate a variable penetrance. At least one publication reported experimental evidence evaluating an impact on protein function, and demonstrated that the variant resulted in a decreased level of the TNNI3 protein in a mammalian cell based expression system (Zheng_2016). Three clinical diagnostic laboratories have submitted clinical-significance assessments for this variant to ClinVar after 2014, and all of them classified the variant as pathogenic. Based on the evidence outlined above, the variant was classified as pathogenic.

CHEO Genetics Diagnostic Laboratory, Children's Hospital of Eastern Ontario
Classification: Pathogenic for Cardiomyopathy. Last evaluated: 2019-08-23. Review status: criteria provided, single submitter. Criteria: ACMG Guidelines, 2015. Collection method: clinical testing. Allele origin: germline.

Institute of Human Genetics Munich, TUM University Hospital
Classification: Pathogenic for Hypertrophic cardiomyopathy 7. Last evaluated: 2017-11-08. Review status: criteria provided, single submitter. Criteria: Classification criteria August 2017. Collection method: clinical testing. Allele origin: germline. Inheritance: Autosomal dominant inheritance. Affected: yes. Observed: 1 heterozygote.

Clinical Genetics DNA and cytogenetics Diagnostics Lab, Erasmus MC, Erasmus Medical Center
Classification: Pathogenic. Review status: no assertion criteria provided. Collection method: clinical testing. Allele origin: germline. Affected: yes. Study: VKGL Data-share Consensus. Not counted in ClinVar's aggregate classification.

Clinical Genetics, Academic Medical Center
Classification: Pathogenic. Review status: no assertion criteria provided. Collection method: clinical testing. Allele origin: germline. Affected: yes. Study: VKGL Data-share Consensus. Not counted in ClinVar's aggregate classification.

Joint Genome Diagnostic Labs from Nijmegen and Maastricht, Radboudumc and MUMC+
Classification: Pathogenic. Review status: no assertion criteria provided. Collection method: clinical testing. Allele origin: germline. Affected: yes. Study: VKGL Data-share Consensus. Not counted in ClinVar's aggregate classification.

Literature cited by the submitters: PubMed 12707239 (cited by 8 submitters); PubMed 15607392 (cited by 8 submitters); PubMed 16335287 (cited by 4 submitters); PubMed 19645627 (cited by 8 submitters); PubMed 21533915 (cited by 6 submitters); PubMed 23283745 (cited by 3 submitters); PubMed 24111713 (cited by 3 submitters); PubMed 24704860 (cited by 3 submitters); PubMed 25239116 (cited by 3 submitters); PubMed 25524337 (cited by 6 submitters); PubMed 26506446 (cited by 6 submitters); PubMed 27532257 (cited by 6 submitters); PubMed 21310275 (cited by Ambry Genetics); PubMed 25351510 (cited by Ambry Genetics); PubMed 28166811 (cited by Ambry Genetics); PubMed 28193612 (cited by Ambry Genetics); PubMed 28356264 (cited by Ambry Genetics); PubMed 28420666 (cited by Ambry Genetics); PubMed 37652022 (cited by Ambry Genetics); PubMed 38642550 (cited by Ambry Genetics); PubMed 15070570 (cited by Victorian Clinical Genetics Services, Murdoch Childrens Research Institute); PubMed 19914256 (cited by Victorian Clinical Genetics Services, Murdoch Childrens Research Institute); PubMed 23270746 (cited by Victorian Clinical Genetics Services, Murdoch Childrens Research Institute); PubMed 32731933 (cited by Victorian Clinical Genetics Services, Murdoch Childrens Research Institute); PubMed 22386593 (cited by All of Us Research Program, National Institutes of Health and Color Diagnostics, LLC DBA Color Health); PubMed 22857948 (cited by All of Us Research Program, National Institutes of Health and Color Diagnostics, LLC DBA Color Health); PubMed 15524171 (cited by Women's Health and Genetics/Laboratory Corporation of America, LabCorp); PubMed 15201162 (cited by Women's Health and Genetics/Laboratory Corporation of America, LabCorp); PubMed 15631686 (cited by Women's Health and Genetics/Laboratory Corporation of America, LabCorp).